The following is an entry in ClinVar:

ClinVar aggregate classification (germline): Uncertain significance (0 of 4 stars; one submission).

Conditions:
Orofaciodigital syndrome I (OFD1). Also called: OFDS I; Oral-Facial-Digital Syndrome Type I; Papillon-Leage and Psaume Syndrome. Identifiers: Orphanet 2750, MedGen C1510460, MONDO:0010702, OMIM 311200.

Submission:

Labcorp Genetics (formerly Invitae), Labcorp
Classification: Uncertain significance for Oral-facial-digital syndrome. Last evaluated: 2014-10-07. Review status: no assertion criteria provided. Collection method: clinical testing. Allele origin: germline.
Comment: This duplication results in an extra copy of the entire OFD1 gene. The assay used to detect this duplication is not capable of determining its precise size or location within the genome. More than 100 copy number gains have been reported encompassing the OFD1 gene, but all of these span multiple adjacent genes as well. It is currently unknown if this patient's duplication is similar to any of the reported copy number gains. Additional testing, if available, to identify the breakpoints of this duplication should be considered and may help with interpretation. OFD1 is located on the X chromosome and full gene deletions have been reported to cause Oral-Facial-Digital syndrome type 1 in females and embryonic lethality in males (PMID: 23033313). In mouse male embryos, deletion of OFD1 results in impaired left-right patterning and a lack of cilia in the node (PMID: 16311594). Although these findings are suggestive of a role for OFD1 in the manifestation of heterotaxy, the clinical and functional significance of a duplication in OFD1 gene is not known.

NM_003611.2(OFD1):c.(?_-1)_(*1_?)dup

Gene: OFD1 (OFD1 centriole and centriolar satellite protein; plus strand).
Variant type: Duplication.
Coding change: c.(?_-1)_(*1_?)dup on transcript NM_003611.2; a large duplication whose breakpoints are not mapped to the base.
Identifiers: ClinVar variation 188390 (VCV000188390.1).